The following is an entry in ClinVar:

ClinVar aggregate classification (germline): Likely benign (1 of 4 stars; one submission).

gnomAD v4.1: 1 of 1,569,212 alleles (0.000064%); highest among the groups gnomAD compares: Non-Finnish European, 0.000086%; no homozygotes.

Submission:

CeGaT Center for Human Genetics Tuebingen
Classification: Likely benign. Last evaluated: 2025-11-01. Review status: criteria provided, single submitter. Criteria: CeGaT Center For Human Genetics Tuebingen Variant Classification Criteria Version 2. Collection method: clinical testing. Allele origin: germline. Affected: yes. Observed: 1 variant allele.
Comment: NOTCH2: BP4, BP7

NM_024408.4(NOTCH2):c.66C>A (p.Pro22=)

Gene: NOTCH2 (notch receptor 2; minus strand). Cytogenetic location: 1p12.
Variant type: single nucleotide variant.
Coding change: c.66C>A on transcript NM_024408.4 (MANE Select); coding-DNA position 66, C replaced by A.
Protein change: p.Pro22=; no amino-acid change (proline 22 retained).
Molecular consequence: synonymous variant.
Genome position (GRCh38, 1-based): chr1:120,069,341, G>T on the plus strand (C>A on the coding strand, the complement: NOTCH2 is on the minus strand). VCF-style: chr1-120069341-G-T. GRCh37 (hg19) VCF-style: chr1-120611955-G-T.
Other names: c.66C>A, p.Pro22= (NM_001200001.2).
Identifiers: ClinVar variation 4533859 (VCV004533859.6).